The following is an entry in ClinVar:

NM_001376.5(DYNC1H1):c.7848+6G>C

Gene: DYNC1H1 (dynein cytoplasmic 1 heavy chain 1; plus strand). Cytogenetic location: 14q32.31.
Variant type: single nucleotide variant.
Coding change: c.7848+6G>C on transcript NM_001376.5 (MANE Select); 6 bases into the intron after coding-DNA position 7848, G replaced by C.
Molecular consequence: intron variant.
Genome position (GRCh38, 1-based): chr14:102,017,005, G>C. VCF-style: chr14-102017005-G-C. GRCh37 (hg19) VCF-style: chr14-102483342-G-C.
Identifiers: ClinVar variation 2974289 (VCV002974289.3), dbSNP rs2503772334, ClinGen allele CA2626612073.

ClinVar aggregate classification (germline): Uncertain significance (1 of 4 stars; one submission).

Conditions:
Charcot-Marie-Tooth disease axonal type 2O. Also called: CHARCOT-MARIE-TOOTH NEUROPATHY, AXONAL, TYPE 2O; CHARCOT-MARIE-TOOTH DISEASE, AXONAL, AUTOSOMAL DOMINANT, TYPE 2O; Charcot-Marie-Tooth Neuropathy Type 2O; Charcot-Marie-Tooth disease, axonal, type 20. Identifiers: Orphanet 284232, MedGen C3280220, MONDO:0013644, OMIM 614228.

Allele frequency attached by ClinVar (database versions not stated): gnomAD exomes below 0.00001.
gnomAD v4.1: 1 of 1,614,274 alleles (0.000062%); highest among the groups gnomAD compares: Non-Finnish European, 0.000085%; no homozygotes.

Submission:

Labcorp Genetics (formerly Invitae), Labcorp
Classification: Uncertain significance for Charcot-Marie-Tooth disease axonal type 2O. Last evaluated: 2024-01-30. Review status: criteria provided, single submitter. Criteria: Invitae Variant Classification Sherloc (09022015). Collection method: clinical testing. Allele origin: germline.
Comment: This sequence change falls in intron 38 of the DYNC1H1 gene. It does not directly change the encoded amino acid sequence of the DYNC1H1 protein. It affects a nucleotide within the consensus splice site. This variant is not present in population databases (gnomAD no frequency). This variant has not been reported in the literature in individuals affected with DYNC1H1-related conditions. Variants that disrupt the consensus splice site are a relatively common cause of aberrant splicing (PMID: 17576681, 9536098). Algorithms developed to predict the effect of sequence changes on RNA splicing suggest that this variant is not likely to affect RNA splicing. In summary, the available evidence is currently insufficient to determine the role of this variant in disease. Therefore, it has been classified as a Variant of Uncertain Significance.

Literature cited by the submitters: PubMed 17576681; PubMed 9536098.